The following is an entry in ClinVar:

NM_001291746.2(REL):c.1034C>G (p.Pro345Arg)

Gene: REL (REL proto-oncogene, NF-kB subunit; plus strand). Cytogenetic location: 2p16.1.
Variant type: single nucleotide variant.
Coding change: c.1034C>G on transcript NM_001291746.2 (MANE Select); coding-DNA position 1034, C replaced by G.
Protein change: p.Pro345Arg; replaces proline 345 with arginine.
Molecular consequence: missense variant.
Genome position (GRCh38, 1-based): chr2:60,921,805, C>G. VCF-style: chr2-60921805-C-G. GRCh37 (hg19) VCF-style: chr2-61148940-C-G.
Other names: c.1130C>G, p.Pro377Arg (NM_002908.4); short protein forms P345R, P377R.
Identifiers: ClinVar variation 1973437 (VCV001973437.3), dbSNP rs374855045, ClinGen allele CA1672414.
Genomic context (GRCh38, chr2:60,921,805, plus strand): 5'-AAATTTTTCCTCCCACAGAACCAAACTTGTTTTCTCATGATGCAGTTGTGAGAGAAATGC[C>G]TACAGGGGTTTCAAGTCAAGCAGAATCCTACTATCCCTCACCTGGGCCCATCTCAAGTGG-3'
Protein context (NP_001278675.1, residues 335-355): FSHDAVVREM[Pro345Arg]TGVSSQAESY

ClinVar aggregate classification (germline): Uncertain significance (1 of 4 stars; one submission).

Allele frequency attached by ClinVar (database versions not stated): ExAC 0.00001; gnomAD exomes 0.00001; ESP Exome Variant Server 0.00008.
gnomAD v4.1: 21 of 1,613,942 alleles (0.0013%); highest among the groups gnomAD compares: Non-Finnish European, 0.0018%; no homozygotes.

Submission:

Labcorp Genetics (formerly Invitae), Labcorp
Classification: Uncertain significance. Last evaluated: 2023-08-04. Review status: criteria provided, single submitter. Criteria: Invitae Variant Classification Sherloc (09022015). Collection method: clinical testing. Allele origin: germline.
Comment: In summary, the available evidence is currently insufficient to determine the role of this variant in disease. Therefore, it has been classified as a Variant of Uncertain Significance. An algorithm developed to predict the effect of missense changes on protein structure and function (PolyPhen-2) suggests that this variant is likely to be disruptive. ClinVar contains an entry for this variant (Variation ID: 1973437). This variant has not been reported in the literature in individuals affected with REL-related conditions. This variant is not present in population databases (gnomAD no frequency). This sequence change replaces proline, which is neutral and non-polar, with arginine, which is basic and polar, at codon 377 of the REL protein (p.Pro377Arg).